The following is an entry in ClinVar:

ClinVar aggregate classification (germline): Uncertain significance (1 of 4 stars; one submission).

Submission:

Women's Health and Genetics/Laboratory Corporation of America, LabCorp
Classification: Uncertain significance. Last evaluated: 2025-09-22. Review status: criteria provided, single submitter. Criteria: LabCorp Variant Classification Summary - May 2015. Collection method: clinical testing. Allele origin: germline.
Comment: Variant summary: PKD1 c.9638T>C (p.Phe3213Ser) results in a non-conservative amino acid change located in the PLAT/LH2 domain (IPR042060) of the encoded protein sequence. Algorithms developed to predict the effect of missense changes on protein structure and function all suggest that this variant is likely to be disruptive. The variant was absent in 247584 control chromosomes. The available data on variant occurrences in the general population are insufficient to allow any conclusion about variant significance. To our knowledge, no occurrence of c.9638T>C in individuals affected with PKD1-related conditions and no experimental evidence demonstrating its impact on protein function have been reported. No submitters have cited clinical-significance assessments for this variant to ClinVar. Based on the evidence outlined above, the variant was classified as uncertain significance.

NM_001009944.3(PKD1):c.9638T>C (p.Phe3213Ser)

Gene: PKD1 (polycystin 1, transient receptor potential channel interacting; minus strand). Cytogenetic location: 16p13.3.
Variant type: single nucleotide variant.
Coding change: c.9638T>C on transcript NM_001009944.3 (MANE Select); coding-DNA position 9638, T replaced by C.
Protein change: p.Phe3213Ser; replaces phenylalanine 3213 with serine.
Molecular consequence: missense variant.
Genome position (GRCh38, 1-based): chr16:2,100,240, A>G on the plus strand (T>C on the coding strand, the complement: PKD1 is on the minus strand). VCF-style: chr16-2100240-A-G. GRCh37 (hg19) VCF-style: chr16-2150241-A-G.
Other names: c.9638T>C, p.Phe3213Ser (NM_000296.4); short protein forms F3213S.
Identifiers: ClinVar variation 4536087 (VCV004536087.1).